The following is an entry in ClinVar:

ClinVar aggregate classification (germline): Conflicting classifications of pathogenicity. Review status: criteria provided, conflicting classifications (1 of 4 stars). 3 submissions from 3 submitters: Uncertain significance (2); Likely benign (1). Last evaluated 2023-12-20.

Conditions:
Inborn genetic diseases. Identifiers: MedGen C0950123, MeSH D030342.

Allele frequency attached by ClinVar (database versions not stated): gnomAD 0.00002 and 0.00003; ExAC 0.00003; gnomAD exomes 0.00006; TOPMed 0.00008.
gnomAD v4.1: 27 of 1,602,846 alleles (0.0017%); highest among the groups gnomAD compares: Admixed American, 0.032%; no homozygotes.

Submissions (3):

Ambry Genetics
Classification: Uncertain significance for Inborn genetic diseases. Last evaluated: 2023-12-20. Review status: criteria provided, single submitter. Criteria: Ambry Variant Classification Scheme 2023. Collection method: clinical testing. Allele origin: germline.

Labcorp Genetics (formerly Invitae), Labcorp
Classification: Uncertain significance. Last evaluated: 2022-05-05. Review status: criteria provided, single submitter. Criteria: Invitae Variant Classification Sherloc (09022015). Collection method: clinical testing. Allele origin: germline.
Comment: This sequence change replaces serine, which is neutral and polar, with leucine, which is neutral and non-polar, at codon 39 of the SCO2 protein (p.Ser39Leu). This variant is present in population databases (rs767634441, gnomAD 0.04%). This variant has not been reported in the literature in individuals affected with SCO2-related conditions. ClinVar contains an entry for this variant (Variation ID: 215126). Algorithms developed to predict the effect of missense changes on protein structure and function (SIFT, PolyPhen-2, Align-GVGD) all suggest that this variant is likely to be tolerated. In summary, the available evidence is currently insufficient to determine the role of this variant in disease. Therefore, it has been classified as a Variant of Uncertain Significance.

GeneDx
Classification: Likely benign. Last evaluated: 2014-06-18. Review status: criteria provided, single submitter. Criteria: GeneDx Variant Classification (06012015). Collection method: clinical testing. Allele origin: germline. Affected: yes.
Comment: This variant is considered likely benign or benign based on one or more of the following criteria: it is a conservative change, it occurs at a poorly conserved position in the protein, it is predicted to be benign by multiple in silico algorithms, and/or has population frequency not consistent with disease.

NM_005138.3(SCO2):c.116C>T (p.Ser39Leu)

Genes: NCAPH2 (non-SMC condensin II complex subunit H2; plus strand), SCO2 (synthesis of cytochrome C oxidase 2; minus strand). Cytogenetic location: 22q13.33.
Variant type: single nucleotide variant.
Coding change: c.116C>T on transcript NM_005138.3 (MANE Select); coding-DNA position 116, C replaced by T.
Protein change: p.Ser39Leu; replaces serine 39 with leucine.
Molecular consequence: missense variant. On other transcripts: 3 prime UTR variant (2).
Genome position (GRCh38, 1-based): chr22:50,524,296, G>A on the plus strand (C>T on the coding strand, the complement: SCO2 is on the minus strand). VCF-style: chr22-50524296-G-A. GRCh37 (hg19) VCF-style: chr22-50962725-G-A.
Other names: c.*921G>A (NM_001185011.2, NM_152299.4); c.116C>T, p.Ser39Leu (NM_001169109.2, NM_001169110.1, NM_001169111.2); short protein forms S39L.
Identifiers: ClinVar variation 215126 (VCV000215126.4), dbSNP rs767634441, ClinGen allele CA320218.
Genomic context (GRCh38, chr22:50,524,296, plus strand): 5'-GTTCGAAGCCCAGGGCCCTGGGGCTGGCCCTGCCCACCTGTCTCTGCAGGGCCCTGCCTT[G>A]ACAAAAGCCAGGACCTCAGATGCAGGGCCTGGCCTCCCAGGGTCCCAGGGAGGACCCGAG-3'
Protein context (NP_005129.2, residues 29-49): QALHLRSWLL[Ser39Leu]RQGPAETGGQ